The following is an entry in ClinVar:

ClinVar aggregate classification (germline): Pathogenic (1 of 4 stars; one submission).

Conditions:
Hereditary cancer-predisposing syndrome. Also called: Neoplastic Syndromes, Hereditary; Tumor predisposition; Hereditary neoplastic syndrome; Hereditary Cancer Syndrome. Identifiers: Orphanet 140162, MedGen C0027672, MeSH D009386, MONDO:0015356.

Submission:

Ambry Genetics
Classification: Pathogenic for Hereditary cancer-predisposing syndrome. Last evaluated: 2022-11-23. Review status: criteria provided, single submitter. Criteria: Ambry Variant Classification Scheme 2023. Collection method: clinical testing. Allele origin: germline.
Comment: The c.1045dupC pathogenic mutation, located in coding exon 4 of the MSH6 gene, results from a duplication of C at nucleotide position 1045, causing a translational frameshift with a predicted alternate stop codon (p.Q349Pfs*5). This variant is considered to be rare based on population cohorts in the Genome Aggregation Database (gnomAD). This alteration is expected to result in loss of function by premature protein truncation or nonsense-mediated mRNA decay. As such, this alteration is interpreted as a disease-causing mutation.

NM_000179.3(MSH6):c.1045dup (p.Gln349fs)

Gene: MSH6 (mutS homolog 6; plus strand). Cytogenetic location: 2p16.3.
Variant type: Duplication.
Coding change: c.1045dup on transcript NM_000179.3 (MANE Select); coding-DNA position 1045, one base duplicated (C; older notation c.1045dupC).
Protein change: p.Gln349fs; shifts the reading frame from glutamine 349.
Molecular consequence: frameshift variant. On other transcripts: non-coding transcript variant (4), intron variant (1).
Genome position (GRCh38, 1-based): chr2:47,799,028, C duplicated; the last of 3 consecutive C bases (chr2:47,799,026-47,799,028); duplicating any one gives the same sequence. VCF-style (leftmost placement, unchanged base first): chr2-47799025-T-TC. GRCh37 (hg19) VCF-style: chr2-48026164-T-TC.
Other names: c.655dup, p.Gln219fs (NM_001281492.2); c.139dup, p.Gln47fs (NM_001281493.2, NM_001281494.2, NM_001406811.1 and 6 more transcripts); c.1141dup, p.Gln381fs (NM_001406795.1, NM_001406802.1); c.1045dup, p.Gln349fs (NM_001406796.1, NM_001406798.1, NM_001406800.1 and 4 more transcripts); c.748dup, p.Gln250fs (NM_001406797.1, NM_001406801.1, NM_001406805.1 and 10 more transcripts); c.520dup, p.Gln174fs (NM_001406799.1, NM_001406806.1, NM_001406807.1); c.967dup, p.Gln323fs (NM_001406804.1); c.1051dup, p.Gln351fs (NM_001406813.1); and 3 more; short protein forms Q351fs, Q381fs, Q47fs, Q219fs, Q250fs, Q349fs, Q174fs, Q293fs.
Identifiers: ClinVar variation 2453159 (VCV002453159.2), dbSNP rs2530585445, ClinGen allele CA2580067296.